The following is an entry in ClinVar:

NM_001348716.2(KDM6B):c.2379A>C (p.Pro793=)

Gene: KDM6B (lysine demethylase 6B; plus strand). Cytogenetic location: 17p13.1.
Variant type: single nucleotide variant.
Coding change: c.2379A>C on transcript NM_001348716.2 (MANE Select); coding-DNA position 2379, A replaced by C.
Protein change: p.Pro793=; no amino-acid change (proline 793 retained).
Molecular consequence: synonymous variant.
Genome position (GRCh38, 1-based): chr17:7,848,667, A>C. VCF-style: chr17-7848667-A-C. GRCh37 (hg19) VCF-style: chr17-7751985-A-C.
Other names: c.2379A>C, p.Pro793= (NM_001080424.2).
Identifiers: ClinVar variation 762527 (VCV000762527.27), dbSNP rs762371106, ClinGen allele CA8360891.

ClinVar aggregate classification (germline): Likely benign. Review status: criteria provided, multiple submitters, no conflicts (2 of 4 stars). 2 submissions from 2 submitters: Likely benign (2). Last evaluated 2022-07-01.

Allele frequency attached by ClinVar (database versions not stated): ExAC 0.00006; gnomAD exomes 0.00006; gnomAD 0.00013.
gnomAD v4.1: 145 of 1,605,904 alleles (0.009%); highest among the groups gnomAD compares: Middle Eastern, 0.021%; no homozygotes.

Submissions (2):

CeGaT Center for Human Genetics Tuebingen
Classification: Likely benign. Last evaluated: 2022-07-01. Review status: criteria provided, single submitter. Criteria: CeGaT Center For Human Genetics Tuebingen Variant Classification Criteria Version 2. Collection method: clinical testing. Allele origin: germline. Affected: yes. Observed: 1 variant allele.
Comment: KDM6B: BP4, BP7

Labcorp Genetics (formerly Invitae), Labcorp
Classification: Likely benign. Last evaluated: 2018-08-08. Review status: criteria provided, single submitter. Criteria: Invitae Variant Classification Sherloc (09022015). Collection method: clinical testing. Allele origin: germline.